The following is an entry in ClinVar:

ClinVar aggregate classification (germline): Uncertain significance (1 of 4 stars; one submission).

Conditions:
Hereditary cancer-predisposing syndrome. Also called: Neoplastic Syndromes, Hereditary; Tumor predisposition; Hereditary Cancer Syndrome; Hereditary neoplastic syndrome. Identifiers: Orphanet 140162, MedGen C0027672, MeSH D009386, MONDO:0015356.

Submission:

Ambry Genetics
Classification: Uncertain significance for Hereditary cancer-predisposing syndrome. Last evaluated: 2026-03-24. Review status: criteria provided, single submitter. Criteria: Ambry Variant Classification Scheme 2023. Collection method: clinical testing. Allele origin: germline.
Comment: The p.K1174R variant (also known as c.3521A>G), located in coding exon 29 of the POLE gene, results from an A to G substitution at nucleotide position 3521. The lysine at codon 1174 is replaced by arginine, an amino acid with highly similar properties. This amino acid position is conserved. In addition, this alteration is predicted to be tolerated by in silico analysis. Based on the available evidence, the clinical significance of this variant remains unclear.

NM_006231.4(POLE):c.3521A>G (p.Lys1174Arg)

Gene: POLE (DNA polymerase epsilon, catalytic subunit; minus strand). Cytogenetic location: 12q24.33.
Variant type: single nucleotide variant.
Coding change: c.3521A>G on transcript NM_006231.4 (MANE Select); coding-DNA position 3521, A replaced by G.
Protein change: p.Lys1174Arg; replaces lysine 1174 with arginine.
Molecular consequence: missense variant.
Genome position (GRCh38, 1-based): chr12:132,657,197, T>C on the plus strand (A>G on the coding strand, the complement: POLE is on the minus strand). VCF-style: chr12-132657197-T-C. GRCh37 (hg19) VCF-style: chr12-133233783-T-C.
Other names: short protein forms K1174R.
Identifiers: ClinVar variation 4862251 (VCV004862251.1).